The following is an entry in ClinVar:

NM_001374736.1(DST):c.2705C>G (p.Ser902Cys)

Gene: DST (dystonin; minus strand). Cytogenetic location: 6p12.1.
Variant type: single nucleotide variant.
Coding change: c.2705C>G on transcript NM_001374736.1 (MANE Select); coding-DNA position 2705, C replaced by G.
Protein change: p.Ser902Cys; replaces serine 902 with cysteine.
Molecular consequence: missense variant.
Genome position (GRCh38, 1-based): chr6:56,639,604, G>C on the plus strand (C>G on the coding strand, the complement: DST is on the minus strand). VCF-style: chr6-56639604-G-C. GRCh37 (hg19) VCF-style: chr6-56504402-G-C.
Other names: c.2606C>G, p.Ser869Cys (NM_001144769.5); c.2192C>G, p.Ser731Cys (NM_001144770.2); c.2705C>G, p.Ser902Cys (NM_001374722.1); c.2072C>G, p.Ser691Cys (NM_001374729.1, NM_001374730.1, NM_001386100.1 and 1 more transcripts); c.2732C>G, p.Ser911Cys (NM_001374734.1); c.1094C>G, p.Ser365Cys (NM_001723.7, NM_015548.5); short protein forms S365C, S691C, S731C, S869C, S902C, S911C.
Identifiers: ClinVar variation 474506 (VCV000474506.67), dbSNP rs138553142, ClinGen allele CA3871338.

ClinVar aggregate classification (germline): Conflicting classifications of pathogenicity. Review status: criteria provided, conflicting classifications (1 of 4 stars). 9 submissions from 9 submitters: Uncertain significance (1); Likely benign (5). 3 of the submissions do not count toward it. Last evaluated 2026-07-24.

Conditions:
Inborn genetic diseases. Identifiers: MedGen C0950123, MeSH D030342.
DST-related disorder. Also called: DST-related disorders; DST-related condition.
Epidermolysis bullosa simplex 3, localized or generalized intermediate, with BP230 deficiency (EBS3). Also called: Epidermolysis bullosa simplex due to BP230 deficiency; Epidermolysis bullosa simplex, autosomal recessive 2. Identifiers: Orphanet 412181, MedGen C3809470, MONDO:0014180, OMIM 615425.
Hereditary sensory and autonomic neuropathy type 6. Also called: Neuropathy, hereditary sensory and autonomic, type VI; HSAN VI. Identifiers: Orphanet 314381, MedGen C3539003, MONDO:0013839, OMIM 614653.

Allele frequency attached by ClinVar (database versions not stated): 1000 Genomes Project 0.00060; 1000 Genomes Project 30x 0.00078; gnomAD exomes 0.00113 and 0.00181; TOPMed 0.00115; ExAC 0.00130; gnomAD 0.00138 and 0.00148; ESP Exome Variant Server 0.00169.
gnomAD v4.1: 2,798 of 1,613,526 alleles (0.17%); highest among the groups gnomAD compares: Non-Finnish European, 0.23%; 6 homozygotes.

Submissions (9):

GeneDx
Classification: Uncertain significance. Last evaluated: 2026-07-24. Review status: criteria provided, single submitter. Criteria: GeneDx Variant Classification Process June 2021. Collection method: clinical testing. Allele origin: germline.
Comment: In silico analysis supports that this missense variant has a deleterious effect on protein structure/function; Has not been previously published as pathogenic or benign to our knowledge; Reported using the transcript encoding the epithelial isoform of the gene

CeGaT Center for Human Genetics Tuebingen
Classification: Likely benign. Last evaluated: 2026-06-01. Review status: criteria provided, single submitter. Criteria: CeGaT Center For Human Genetics Tuebingen Variant Classification Criteria Version 2. Collection method: clinical testing. Allele origin: germline. Affected: yes. Observed: 5 variant alleles.
Comment: DST: BS2

Labcorp Genetics (formerly Invitae), Labcorp
Classification: Likely benign for Epidermolysis bullosa simplex 3, localized or generalized intermediate, with BP230 deficiency; Hereditary sensory and autonomic neuropathy type 6. Last evaluated: 2026-01-14. Review status: criteria provided, single submitter. Criteria: Invitae Variant Classification Sherloc (09022015). Collection method: clinical testing. Allele origin: germline.

Mayo Clinic Laboratories, Mayo Clinic
Classification: Likely benign. Last evaluated: 2025-09-02. Review status: criteria provided, single submitter. Criteria: ACMG Guidelines, 2015. Collection method: clinical testing. Allele origin: germline. Observed: 9 variant alleles.
Comment: BS1, BS2

Women's Health and Genetics/Laboratory Corporation of America, LabCorp
Classification: Likely benign. Last evaluated: 2025-02-05. Review status: criteria provided, single submitter. Criteria: LabCorp Variant Classification Summary - May 2015. Collection method: clinical testing. Allele origin: germline.
Comment: Variant summary: DST c.1094C>G (p.Ser365Cys) results in a non-conservative amino acid change in the encoded protein sequence. Five of five in-silico tools predict a damaging effect of the variant on protein function. The variant allele was found at a frequency of 0.0011 in 251116 control chromosomes, predominantly at a frequency of 0.0022 within the Non-Finnish European subpopulation in the gnomAD database. The observed variant frequency within Non-Finnish European control individuals in the gnomAD database is approximately 2 fold of the estimated maximal expected allele frequency for a pathogenic variant in DST causing Epidermolysis bullosa simplex 3, localized or generalized intermediate, with BP230 deficiency phenotype (0.0011). To our knowledge, no occurrence of c.1094C>G in individuals affected with Epidermolysis bullosa simplex 3, localized or generalized intermediate, with BP230 deficiency and no experimental evidence demonstrating its impact on protein function have been reported. ClinVar contains an entry for this variant (Variation ID: 474506). Based on the evidence outlined above, the variant was classified as likely benign.

Ambry Genetics
Classification: Likely benign for Inborn genetic diseases. Last evaluated: 2019-09-27. Review status: criteria provided, single submitter. Criteria: Ambry Variant Classification Scheme 2023. Collection method: clinical testing. Allele origin: germline.

PreventionGenetics, part of Exact Sciences
Classification: Likely benign for DST-related condition. Last evaluated: 2024-03-04. Review status: no assertion criteria provided. Collection method: clinical testing. Allele origin: germline. Not counted in ClinVar's aggregate classification.
Comment: This variant is classified as likely benign based on ACMG/AMP sequence variant interpretation guidelines (Richards et al. 2015 PMID: 25741868, with internal and published modifications).

Clinical Genetics DNA and cytogenetics Diagnostics Lab, Erasmus MC, Erasmus Medical Center
Classification: Uncertain significance. Review status: no assertion criteria provided. Collection method: clinical testing. Allele origin: germline. Affected: yes. Study: VKGL Data-share Consensus. Not counted in ClinVar's aggregate classification.

Clinical Genetics, Academic Medical Center
Classification: Uncertain significance. Review status: no assertion criteria provided. Collection method: clinical testing. Allele origin: germline. Affected: yes. Study: VKGL Data-share Consensus. Not counted in ClinVar's aggregate classification.